The following is an entry in ClinVar:

ClinVar aggregate classification (germline): Likely benign (1 of 4 stars; one submission).

gnomAD v4.1: 18 of 1,613,148 alleles (0.0011%); highest among the groups gnomAD compares: Non-Finnish European, 0.0015%; no homozygotes.

Submission:

CeGaT Center for Human Genetics Tuebingen
Classification: Likely benign. Last evaluated: 2026-03-01. Review status: criteria provided, single submitter. Criteria: CeGaT Center For Human Genetics Tuebingen Variant Classification Criteria Version 2. Collection method: clinical testing. Allele origin: germline. Affected: yes. Observed: 1 variant allele.
Comment: FUZ: BS2

NM_025129.5(FUZ):c.911T>G (p.Leu304Arg)

Gene: FUZ (fuzzy planar cell polarity protein; minus strand). Cytogenetic location: 19q13.33.
Variant type: single nucleotide variant.
Coding change: c.911T>G on transcript NM_025129.5 (MANE Select); coding-DNA position 911, T replaced by G.
Protein change: p.Leu304Arg; replaces leucine 304 with arginine.
Molecular consequence: missense variant. On other transcripts: non-coding transcript variant (1).
Genome position (GRCh38, 1-based): chr19:49,808,621, A>C on the plus strand (T>G on the coding strand, the complement: FUZ is on the minus strand). VCF-style: chr19-49808621-A-C. GRCh37 (hg19) VCF-style: chr19-50311878-A-C.
Other names: c.803T>G, p.Leu268Arg (NM_001171937.2); c.911T>G, p.Leu304Arg (NM_001352262.2); c.761T>G, p.Leu254Arg (NM_001363663.1); short protein forms L254R, L268R, L304R.
Identifiers: ClinVar variation 4822083 (VCV004822083.4).